The following is an entry in ClinVar:

ClinVar aggregate classification (germline): Uncertain significance (1 of 4 stars; one submission).

Conditions:
Common variable immunodeficiency (CVID). Also called: Common variable hypogamma-globulinemia; Common variable agammaglobulinemia. Identifiers: Orphanet 1572, MedGen C0009447, MONDO:0015517.

Submission:

Labcorp Genetics (formerly Invitae), Labcorp
Classification: Uncertain significance for Common variable immunodeficiency. Last evaluated: 2023-01-01. Review status: criteria provided, single submitter. Criteria: Invitae Variant Classification Sherloc (09022015). Collection method: clinical testing. Allele origin: germline.
Comment: This variant has not been reported in the literature in individuals affected with TNFSF12-related conditions. This variant is not present in population databases (gnomAD no frequency). This sequence change replaces arginine, which is basic and polar, with tryptophan, which is neutral and slightly polar, at codon 47 of the TNFSF12 protein (p.Arg47Trp). Algorithms developed to predict the effect of missense changes on protein structure and function output the following: SIFT: "Deleterious"; PolyPhen-2: "Not Available"; Align-GVGD: "Class C0". The tryptophan amino acid residue is found in multiple mammalian species, which suggests that this missense change does not adversely affect protein function. In summary, the available evidence is currently insufficient to determine the role of this variant in disease. Therefore, it has been classified as a Variant of Uncertain Significance.

NM_003809.3(TNFSF12):c.139C>T (p.Arg47Trp)

Genes: TNFSF12 (TNF superfamily member 12; plus strand), TNFSF12-TNFSF13 (TNFSF12-TNFSF13 readthrough; plus strand). Cytogenetic location: 17p13.1.
Variant type: single nucleotide variant.
Coding change: c.139C>T on transcript NM_003809.3 (MANE Select); coding-DNA position 139, C replaced by T.
Protein change: p.Arg47Trp; replaces arginine 47 with tryptophan.
Molecular consequence: missense variant. On other transcripts: non-coding transcript variant (1).
Genome position (GRCh38, 1-based): chr17:7,549,292, C>T. VCF-style: chr17-7549292-C-T. GRCh37 (hg19) VCF-style: chr17-7452609-C-T.
Other names: c.139C>T, p.Arg47Trp (NM_172089.4); short protein forms R47W.
Identifiers: ClinVar variation 1935643 (VCV001935643.5), dbSNP rs1003055172, ClinGen allele CA397854374.